The following is an entry in ClinVar:

NM_003640.5(ELP1):c.842C>T (p.Pro281Leu)

Gene: ELP1 (elongator acetyltransferase complex subunit 1; minus strand). Cytogenetic location: 9q31.3.
Variant type: single nucleotide variant.
Coding change: c.842C>T on transcript NM_003640.5 (MANE Select); coding-DNA position 842, C replaced by T.
Protein change: p.Pro281Leu; replaces proline 281 with leucine.
Molecular consequence: missense variant. On other transcripts: 5 prime UTR variant (1).
Genome position (GRCh38, 1-based): chr9:108,917,569, G>A on the plus strand (C>T on the coding strand, the complement: ELP1 is on the minus strand). VCF-style: chr9-108917569-G-A. GRCh37 (hg19) VCF-style: chr9-111679849-G-A.
Other names: c.842C>T (LRG_251t1); c.500C>T, p.Pro167Leu (NM_001318360.2); c.-206C>T (NM_001330749.2); short protein forms P281L, P167L.
Identifiers: ClinVar variation 455973 (VCV000455973.8), dbSNP rs770755917, ClinGen allele CA5175228.
Genomic context (GRCh38, chr9:108,917,569, plus strand): 5'-CCTCTACATTCGAGGGTGAAACAAACTCAGGCACTTACCTTAACCTCATCTTTAAGGAAG[G>A]GAAGTGTAAAGTGTCCATGAAGGAGTCCATTTTTCTCAAAAAACACAATATCCTGCTGGT-3'
Protein context (NP_003631.2, residues 271-291): NGLLHGHFTL[Pro281Leu]FLKDEVKVND

ClinVar aggregate classification (germline): Uncertain significance. Review status: criteria provided, single submitter (1 of 4 stars). 2 submissions from 2 submitters: Uncertain significance (1). 1 of the submissions does not count toward it. Last evaluated 2021-08-31.

Conditions:
Familial dysautonomia. Also called: FD; HSAN III. Identifiers: Orphanet 1764, MedGen C0013364, MONDO:0009131, OMIM 223900. Disease mechanism: loss of function.

Allele frequency attached by ClinVar (database versions not stated): ExAC 0.00001.
gnomAD v4.1: 1 of 1,613,968 alleles (0.000062%); highest among the groups gnomAD compares: Admixed American, 0.0017%; no homozygotes.

Submissions (2):

Labcorp Genetics (formerly Invitae), Labcorp
Classification: Uncertain significance. Last evaluated: 2021-08-31. Review status: criteria provided, single submitter. Criteria: Invitae Variant Classification Sherloc (09022015). Collection method: clinical testing. Allele origin: germline.
Comment: This sequence change replaces proline with leucine at codon 281 of the ELP1 protein (p.Pro281Leu). The proline residue is moderately conserved and there is a moderate physicochemical difference between proline and leucine. This variant is present in population databases (rs770755917, ExAC 0.009%). This variant has not been reported in the literature in individuals affected with ELP1-related conditions. Algorithms developed to predict the effect of missense changes on protein structure and function are either unavailable or do not agree on the potential impact of this missense change (SIFT: "Tolerated"; PolyPhen-2: "Probably Damaging"; Align-GVGD: "Class C0"). In summary, the available evidence is currently insufficient to determine the role of this variant in disease. Therefore, it has been classified as a Variant of Uncertain Significance.

Natera, Inc.
Classification: Uncertain significance for Familial dysautonomia. Last evaluated: 2020-09-16. Review status: no assertion criteria provided. Collection method: clinical testing. Allele origin: germline. Not counted in ClinVar's aggregate classification.